The following is an entry in ClinVar:

ClinVar aggregate classification (germline): Uncertain significance (1 of 4 stars; one submission).

Allele frequency attached by ClinVar (database versions not stated): gnomAD exomes below 0.00001; ExAC 0.00001; gnomAD 0.00001; TOPMed 0.00001.

Submission:

Labcorp Genetics (formerly Invitae), Labcorp
Classification: Uncertain significance. Last evaluated: 2022-12-17. Review status: criteria provided, single submitter. Criteria: Invitae Variant Classification Sherloc (09022015). Collection method: clinical testing. Allele origin: germline.
Comment: Algorithms developed to predict the effect of missense changes on protein structure and function output the following: SIFT: "Tolerated"; PolyPhen-2: "Benign"; Align-GVGD: "Class C0". The alanine amino acid residue is found in multiple mammalian species, which suggests that this missense change does not adversely affect protein function. In summary, the available evidence is currently insufficient to determine the role of this variant in disease. Therefore, it has been classified as a Variant of Uncertain Significance. Algorithms developed to predict the effect of sequence changes on RNA splicing suggest that this variant may create or strengthen a splice site. This variant has not been reported in the literature in individuals affected with IL12RB2-related conditions. This variant is present in population databases (rs751779031, gnomAD 0.0009%). This sequence change replaces valine, which is neutral and non-polar, with alanine, which is neutral and non-polar, at codon 239 of the IL12RB2 protein (p.Val239Ala).

NM_001374259.2(IL12RB2):c.716T>C (p.Val239Ala)

Gene: IL12RB2 (interleukin 12 receptor subunit beta 2; plus strand). Cytogenetic location: 1p31.3.
Variant type: single nucleotide variant.
Coding change: c.716T>C on transcript NM_001374259.2 (MANE Select); coding-DNA position 716, T replaced by C.
Protein change: p.Val239Ala; replaces valine 239 with alanine.
Molecular consequence: missense variant. On other transcripts: non-coding transcript variant (2).
Genome position (GRCh38, 1-based): chr1:67,329,638, T>C. VCF-style: chr1-67329638-T-C. GRCh37 (hg19) VCF-style: chr1-67795321-T-C.
Other names: c.716T>C, p.Val239Ala (NM_001559.3, NM_001258216.1, NM_001258214.1 and 2 more transcripts); short protein forms V239A.
Identifiers: ClinVar variation 3013380 (VCV003013380.3), dbSNP rs751779031, ClinGen allele CA900276.